The following is an entry in ClinVar:

NM_000088.4(COL1A1):c.298+2T>A

Gene: COL1A1 (collagen type I alpha 1 chain; minus strand). Cytogenetic location: 17q21.33.
Variant type: single nucleotide variant.
Coding change: c.298+2T>A on transcript NM_000088.4 (MANE Select); the canonical splice donor site of the intron after coding-DNA position 298, T replaced by A.
Molecular consequence: splice donor variant.
Genome position (GRCh38, 1-based): chr17:50,199,751, A>T on the plus strand (T>A on the coding strand, the complement: COL1A1 is on the minus strand). VCF-style: chr17-50199751-A-T. GRCh37 (hg19) VCF-style: chr17-48277112-A-T.
Identifiers: ClinVar variation 2104795 (VCV002104795.4), dbSNP rs2144593662, ClinGen allele CA400227987.

ClinVar aggregate classification (germline): Pathogenic (1 of 4 stars; one submission).

Conditions:
Osteogenesis imperfecta type I (OI1). Also called: Lobstein disease; OI, TYPE I; OSTEOGENESIS IMPERFECTA TARDA; OSTEOGENESIS IMPERFECTA WITH BLUE SCLERAE; Osteogenesis imperfecta type 1; Classic Non-deforming Osteogenesis Imperfecta with Blue Sclerae. Identifiers: Orphanet 216796, Orphanet 666, MedGen C0023931, MONDO:0008146, OMIM 166200. Disease mechanism: loss of function.

Submission:

Labcorp Genetics (formerly Invitae), Labcorp
Classification: Pathogenic for Osteogenesis imperfecta type I. Last evaluated: 2022-04-12. Review status: criteria provided, single submitter. Criteria: Invitae Variant Classification Sherloc (09022015). Collection method: clinical testing. Allele origin: germline.
Comment: This sequence change affects a donor splice site in intron 2 of the COL1A1 gene. It is expected to disrupt RNA splicing. Variants that disrupt the donor or acceptor splice site typically lead to a loss of protein function (PMID: 16199547), and loss-of-function variants in COL1A1 are known to be pathogenic (PMID: 7942841, 9295084, 9443882). This variant is not present in population databases (gnomAD no frequency). Disruption of this splice site has been observed in individuals with clinical features of osteogenesis imperfecta (Invitae). Algorithms developed to predict the effect of sequence changes on RNA splicing suggest that this variant may disrupt the consensus splice site. For these reasons, this variant has been classified as Pathogenic.

Literature cited by the submitters: PubMed 16199547; PubMed 7942841; PubMed 9295084; PubMed 9443882.